The following is an entry in ClinVar:

NM_004177.5(STX3):c.442C>T (p.Arg148Ter)

Gene: STX3 (syntaxin 3; plus strand). Cytogenetic location: 11q12.1.
Variant type: single nucleotide variant.
Coding change: c.442C>T on transcript NM_004177.5 (MANE Select); coding-DNA position 442, C replaced by T.
Protein change: p.Arg148Ter; replaces arginine 148 with a stop codon.
Molecular consequence: nonsense.
Genome position (GRCh38, 1-based): chr11:59,792,191, C>T. VCF-style: chr11-59792191-C-T. GRCh37 (hg19) VCF-style: chr11-59559664-C-T.
Other names: c.442C>T, p.Arg148Ter (NM_001178040.3); short protein forms R148*.
Identifiers: ClinVar variation 2162523 (VCV002162523.4), dbSNP rs1310783792, ClinGen allele CA380799076.

ClinVar aggregate classification (germline): Pathogenic (1 of 4 stars; one submission).

gnomAD v4.1: 7 of 1,613,822 alleles (0.00043%); highest among the groups gnomAD compares: East Asian, 0.0022%; no homozygotes.

Submission:

Labcorp Genetics (formerly Invitae), Labcorp
Classification: Pathogenic. Last evaluated: 2024-11-25. Review status: criteria provided, single submitter. Criteria: Invitae Variant Classification Sherloc (09022015). Collection method: clinical testing. Allele origin: germline.
Comment: This sequence change creates a premature translational stop signal (p.Arg148*) in the STX3 gene. It is expected to result in an absent or disrupted protein product. Loss-of-function variants in STX3 are known to be pathogenic (PMID: 24726755). This variant is not present in population databases (gnomAD no frequency). This variant has not been reported in the literature in individuals affected with STX3-related conditions. ClinVar contains an entry for this variant (Variation ID: 2162523). For these reasons, this variant has been classified as Pathogenic.

Literature cited by the submitters: PubMed 24726755.